The following is an entry in ClinVar:

ClinVar aggregate classification (germline): Uncertain significance (1 of 4 stars; one submission).

gnomAD v4.1: 1 of 1,211,568 alleles (0.000083%); highest among the groups gnomAD compares: Non-Finnish European, 0.00011%; no homozygotes.

Submission:

GeneDx
Classification: Uncertain significance. Last evaluated: 2026-02-20. Review status: criteria provided, single submitter. Criteria: GeneDx Variant Classification Process June 2021. Collection method: clinical testing. Allele origin: germline.
Comment: Not observed at significant frequency in large population cohorts (gnomAD); In silico analysis supports that this missense variant has a deleterious effect on protein structure/function; Has not been previously published as pathogenic or benign to our knowledge

NM_001353921.2(ARHGEF9):c.73G>A (p.Asp25Asn)

Gene: ARHGEF9 (Cdc42 guanine nucleotide exchange factor 9; minus strand). Cytogenetic location: Xq11.1.
Variant type: single nucleotide variant.
Coding change: c.73G>A on transcript NM_001353921.2 (MANE Select); coding-DNA position 73, G replaced by A.
Protein change: p.Asp25Asn; replaces aspartic acid 25 with asparagine.
Molecular consequence: missense variant. On other transcripts: 5 prime UTR variant (13), intron variant (6).
Genome position (GRCh38, 1-based): chrX:63,724,669, C>T on the plus strand (G>A on the coding strand, the complement: ARHGEF9 is on the minus strand). VCF-style: chrX-63724669-C-T. GRCh37 (hg19) VCF-style: chrX-62944549-C-T.
Other names: c.-12G>A (NM_001330495.2, NM_001353927.2, NM_001369033.1 and 8 more transcripts); c.73G>A, p.Asp25Asn (NM_001353922.2); c.91G>A, p.Asp31Asn (NM_001353923.1); c.52G>A, p.Asp18Asn (NM_001353928.2, NM_001369030.1, NM_001369031.1 and 2 more transcripts); c.-391G>A (NM_001369042.1); c.-631G>A (NM_001369045.1); c.31-18220G>A (NM_001173479.2); c.10-18220G>A (NM_001369040.1, NM_001369039.1, NM_001353926.2 and 1 more transcripts); and 1 more; short protein forms D18N, D31N, D25N.
Identifiers: ClinVar variation 5009094 (VCV005009094.1).